The following is an entry in ClinVar:

ClinVar aggregate classification (germline): Likely benign. Review status: criteria provided, multiple submitters, no conflicts (2 of 4 stars). 3 submissions from 3 submitters: Likely benign (3). Last evaluated 2025-06-20.

Conditions:
INSR-related disorder.

Allele frequency attached by ClinVar (database versions not stated): TOPMed 0.00001; ExAC 0.00003; gnomAD exomes 0.00004.
gnomAD v4.1: 24 of 1,614,206 alleles (0.0015%); highest among the groups gnomAD compares: East Asian, 0.011%; no homozygotes.

Submissions (3):

Labcorp Genetics (formerly Invitae), Labcorp
Classification: Likely benign. Last evaluated: 2025-06-20. Review status: criteria provided, single submitter. Criteria: Invitae Variant Classification Sherloc (09022015). Collection method: clinical testing. Allele origin: germline.

PreventionGenetics, part of Exact Sciences
Classification: Likely benign for INSR-related condition. Last evaluated: 2024-10-19. Review status: criteria provided, single submitter. Criteria: ACMG Guidelines, 2015. Collection method: clinical testing. Allele origin: germline.
Comment: This variant is classified as likely benign based on ACMG/AMP sequence variant interpretation guidelines (Richards et al. 2015 PMID: 25741868, with internal and published modifications).

Blueprint Genetics
Classification: Likely benign. Last evaluated: 2023-08-11. Review status: criteria provided, single submitter. Criteria: ACMG Guidelines, 2015. Collection method: clinical testing. Allele origin: germline.

NM_000208.4(INSR):c.2328G>A (p.Thr776=)

Gene: INSR (insulin receptor; minus strand). Cytogenetic location: 19p13.2.
Variant type: single nucleotide variant.
Coding change: c.2328G>A on transcript NM_000208.4 (MANE Select); coding-DNA position 2328, G replaced by A.
Protein change: p.Thr776=; no amino-acid change (threonine 776 retained).
Molecular consequence: synonymous variant.
Genome position (GRCh38, 1-based): chr19:7,143,030, C>T on the plus strand (G>A on the coding strand, the complement: INSR is on the minus strand). VCF-style: chr19-7143030-C-T. GRCh37 (hg19) VCF-style: chr19-7143041-C-T.
Other names: c.2292G>A, p.Thr764= (NM_001079817.3); c.2328G>A (NM_000208.3).
Identifiers: ClinVar variation 2419909 (VCV002419909.9), dbSNP rs758029294, ClinGen allele CA9135573.